The following is an entry in ClinVar:

ClinVar aggregate classification (germline): Uncertain significance. Review status: criteria provided, multiple submitters, no conflicts (2 of 4 stars). 2 submissions from 2 submitters: Uncertain significance (2). Last evaluated 2025-08-11.

Conditions:
Hereditary cancer-predisposing syndrome. Also called: Tumor predisposition; Hereditary Cancer Syndrome; Hereditary neoplastic syndrome; Neoplastic Syndromes, Hereditary. Identifiers: Orphanet 140162, MedGen C0027672, MeSH D009386, MONDO:0015356.

gnomAD v4.1: 3 of 1,613,898 alleles (0.00019%); highest among the groups gnomAD compares: Non-Finnish European, 0.00025%; no homozygotes.

Submissions (2):

Labcorp Genetics (formerly Invitae), Labcorp
Classification: Uncertain significance. Last evaluated: 2025-08-11. Review status: criteria provided, single submitter. Criteria: Invitae Variant Classification Sherloc (09022015). Collection method: clinical testing. Allele origin: germline.
Comment: This sequence change replaces valine, which is neutral and non-polar, with methionine, which is neutral and non-polar, at codon 96 of the POLE protein (p.Val96Met). This variant is not present in population databases (gnomAD no frequency). This variant has not been reported in the literature in individuals affected with POLE-related conditions. ClinVar contains an entry for this variant (Variation ID: 1970082). An algorithm developed to predict the effect of missense changes on protein structure and function (PolyPhen-2) suggests that this variant is likely to be tolerated. In summary, the available evidence is currently insufficient to determine the role of this variant in disease. Therefore, it has been classified as a Variant of Uncertain Significance.

Ambry Genetics
Classification: Uncertain significance for Hereditary cancer-predisposing syndrome. Last evaluated: 2025-07-24. Review status: criteria provided, single submitter. Criteria: Ambry Variant Classification Scheme 2023. Collection method: clinical testing. Allele origin: germline.
Comment: The p.V96M variant (also known as c.286G>A) is located in coding exon 4 of the POLE gene. The valine at codon 96 is replaced by methionine, an amino acid with highly similar properties. This change occurs in the first base pair of coding exon 4. This amino acid position is highly conserved in available vertebrate species. In addition, this alteration is predicted to be tolerated by in silico analysis. Based on the available evidence, the clinical significance of this variant remains unclear.

NM_006231.4(POLE):c.286G>A (p.Val96Met)

Gene: POLE (DNA polymerase epsilon, catalytic subunit; minus strand). Cytogenetic location: 12q24.33.
Variant type: single nucleotide variant.
Coding change: c.286G>A on transcript NM_006231.4 (MANE Select); coding-DNA position 286, G replaced by A.
Protein change: p.Val96Met; replaces valine 96 with methionine.
Molecular consequence: missense variant.
Genome position (GRCh38, 1-based): chr12:132,680,222, C>T on the plus strand (G>A on the coding strand, the complement: POLE is on the minus strand). VCF-style: chr12-132680222-C-T. GRCh37 (hg19) VCF-style: chr12-133256808-C-T.
Other names: c.286G>A (NM_006231.2); short protein forms V96M.
Identifiers: ClinVar variation 1970082 (VCV001970082.6), dbSNP rs2542191961, ClinGen allele CA387368874.